The following is an entry in ClinVar:

ClinVar aggregate classification (germline): Uncertain significance (0 of 4 stars; one submission).

gnomAD v4.1: 1 of 1,613,362 alleles (0.000062%); highest among the groups gnomAD compares: Non-Finnish European, 0.000085%; no homozygotes.

Submission:

Department of Pathology and Laboratory Medicine, Sinai Health System
Classification: Uncertain significance. Review status: no assertion criteria provided. Collection method: clinical testing. Allele origin: unknown. Affected: yes. Study: The Canadian Open Genetics Repository (COGR).
Comment: The INSR p.Leu233Arg variant was not identified in the literature nor was it identified in dbSNP, ClinVar, LOVD 3.0 or in the following control databases: the 1000 Genomes Project, the NHLBI GO Exome Sequencing Project, or the Genome Aggregation Database (March 6, 2019, v2.1.1). The p.Leu233 residue is not conserved in mammals and computational analyses (PolyPhen-2, SIFT, AlignGVGD, BLOSUM, MutationTaster) provide inconsistent predictions regarding the impact to the protein; this information is not very predictive of pathogenicity. The variant occurs outside of the splicing consensus sequence and 1 of 4 in silico or computational prediction software programs (SpliceSiteFinder, MaxEntScan, NNSPLICE, GeneSplicer) predict a greater than 10% difference in splicing; this is not very predictive of pathogenicity. In summary, based on the above information the clinical significance of this variant cannot be determined with certainty at this time. This variant is classified as a variant of uncertain significance.

NM_000208.4(INSR):c.698T>G (p.Leu233Arg)

Gene: INSR (insulin receptor; minus strand). Cytogenetic location: 19p13.2.
Variant type: single nucleotide variant.
Coding change: c.698T>G on transcript NM_000208.4 (MANE Select); coding-DNA position 698, T replaced by G.
Protein change: p.Leu233Arg; replaces leucine 233 with arginine.
Molecular consequence: missense variant.
Genome position (GRCh38, 1-based): chr19:7,184,592, A>C on the plus strand (T>G on the coding strand, the complement: INSR is on the minus strand). VCF-style: chr19-7184592-A-C. GRCh37 (hg19) VCF-style: chr19-7184603-A-C.
Other names: c.698T>G, p.Leu233Arg (NM_001079817.3); short protein forms L233R.
Identifiers: ClinVar variation 1050616 (VCV001050616.1), dbSNP rs387906539, ClinGen allele CA403670567.